The following is an entry in ClinVar:

NM_005956.4(MTHFD1):c.1913C>T (p.Pro638Leu)

Gene: MTHFD1 (methylenetetrahydrofolate dehydrogenase, cyclohydrolase and formyltetrahydrofolate synthetase 1; plus strand). Cytogenetic location: 14q23.3.
Variant type: single nucleotide variant.
Coding change: c.1913C>T on transcript NM_005956.4 (MANE Select); coding-DNA position 1913, C replaced by T.
Protein change: p.Pro638Leu; replaces proline 638 with leucine.
Molecular consequence: missense variant.
Genome position (GRCh38, 1-based): chr14:64,442,082, C>T. VCF-style: chr14-64442082-C-T. GRCh37 (hg19) VCF-style: chr14-64908800-C-T.
Other names: c.1913C>T, p.Pro638Leu (NM_001364837.1); short protein forms P638L.
Identifiers: ClinVar variation 1425888 (VCV001425888.7), dbSNP rs149492308, ClinGen allele CA7226431.

ClinVar aggregate classification (germline): Uncertain significance. Review status: criteria provided, multiple submitters, no conflicts (2 of 4 stars). 3 submissions from 3 submitters: Uncertain significance (3). Last evaluated 2024-10-21.

Conditions:
Combined immunodeficiency and megaloblastic anemia with or without hyperhomocysteinemia. Also called: COMBINED IMMUNODEFICIENCY AND MEGALOBLASTIC ANEMIA; METHYLENETETRAHYDROFOLATE DEHYDROGENASE 1 DEFICIENCY. Identifiers: Orphanet 658813, MedGen C4540434, MONDO:0060611, OMIM 617780.
Neural tube defects, folate-sensitive (NTDFS). Also called: NTD, FOLATE-SENSITIVE. Identifiers: Orphanet 823, MedGen C1866558, MONDO:0011120, OMIM 601634.

Allele frequency attached by ClinVar (database versions not stated): gnomAD 0.00006 and 0.00007; ExAC 0.00007; gnomAD exomes 0.00009 and 0.00015; TOPMed 0.00009; ESP Exome Variant Server 0.00015.
gnomAD v4.1: 225 of 1,613,968 alleles (0.014%); highest among the groups gnomAD compares: Non-Finnish European, 0.019%; no homozygotes.

Submissions (3):

Blueprint Genetics
Classification: Uncertain significance. Last evaluated: 2024-10-21. Review status: criteria provided, single submitter. Criteria: ACMG Guidelines, 2015. Collection method: clinical testing. Allele origin: germline.

Fulgent Genetics
Classification: Uncertain significance for Neural tube defects, folate-sensitive; Combined immunodeficiency and megaloblastic anemia with or without hyperhomocysteinemia. Last evaluated: 2021-09-21. Review status: criteria provided, single submitter. Criteria: ACMG Guidelines, 2015. Collection method: clinical testing. Allele origin: unknown.

Labcorp Genetics (formerly Invitae), Labcorp
Classification: Uncertain significance. Last evaluated: 2021-09-02. Review status: criteria provided, single submitter. Criteria: Invitae Variant Classification Sherloc (09022015). Collection method: clinical testing. Allele origin: germline.
Comment: This sequence change replaces proline with leucine at codon 638 of the MTHFD1 protein (p.Pro638Leu). The proline residue is highly conserved and there is a moderate physicochemical difference between proline and leucine. This variant is present in population databases (rs149492308, ExAC 0.02%). This variant has not been reported in the literature in individuals affected with MTHFD1-related conditions. Algorithms developed to predict the effect of missense changes on protein structure and function are either unavailable or do not agree on the potential impact of this missense change (SIFT: "Deleterious"; PolyPhen-2: "Probably Damaging"; Align-GVGD: "Class C0"). In summary, the available evidence is currently insufficient to determine the role of this variant in disease. Therefore, it has been classified as a Variant of Uncertain Significance.